The following is an entry in ClinVar:

ClinVar aggregate classification (germline): Pathogenic (1 of 4 stars; one submission).

Conditions:
GNPTAB-mucolipidosis. Also called: UDP-N-acetylglucosamine-1-phosphotransferase subunit alpha/beta deficiency. Identifiers: MedGen CN322573, MONDO:0100122.

Submission:

Myriad Genetics, Inc.
Classification: Pathogenic for GNPTAB-mucolipidosis. Last evaluated: 2024-02-14. Review status: criteria provided, single submitter. Criteria: Myriad Autosomal Dominant, Autosomal Recessive and X-Linked Classification Criteria (2023). Collection method: clinical testing. Allele origin: unknown.
Comment: NM_024312.4(GNPTAB):c.341dupA(N114Kfs*7) is expected to be pathogenic in the context of GNPTAB-related disorders. This variant is predicted to lead to an abnormal or absent protein product due to the creation of a premature termination codon in GNPTAB, a gene where loss-of-function variants are known to be pathogenic. Please note: this variant was assessed in the context of healthy population screening.

NM_024312.5(GNPTAB):c.341dup (p.Asn114fs)

Gene: GNPTAB (N-acetylglucosamine-1-phosphate transferase subunits alpha and beta; minus strand). Cytogenetic location: 12q23.2.
Variant type: Duplication.
Coding change: c.341dup on transcript NM_024312.5 (MANE Select); coding-DNA position 341, one base duplicated (A; older notation c.341dupA).
Protein change: p.Asn114fs; shifts the reading frame from asparagine 114.
Molecular consequence: frameshift variant.
Genome position (GRCh38, 1-based): chr12:101,788,572, T duplicated on the plus strand (A on the coding strand, the reverse complement: GNPTAB is on the minus strand); the first of 5 consecutive T bases (chr12:101,788,572-101,788,576); duplicating any one gives the same sequence. VCF-style (leftmost placement, unchanged base first): chr12-101788571-G-GT. GRCh37 (hg19) VCF-style: chr12-102182349-G-GT.
Other names: short protein forms N114fs.
Identifiers: ClinVar variation 5012740 (VCV005012740.1).
Genomic context (GRCh38, chr12:101,788,571, plus strand): 5'-TCACTTTTTACTCTTGAGAGGAAATCAAAATGCTTACCTCTTCTTAGTAGGTTCCGTTGT[G>GT]TTTTTCCCAAGGATTTCTCTAATAAAAAGCAAATACAGTTTATTACATACATATGGGCTA-3'